The following is an entry in ClinVar:

ClinVar aggregate classification (germline): Uncertain significance (1 of 4 stars; one submission).

gnomAD v4.1: 3 of 1,613,192 alleles (0.00019%); highest among the groups gnomAD compares: Non-Finnish European, 0.00025%; no homozygotes.

Submission:

Labcorp Genetics (formerly Invitae), Labcorp
Classification: Uncertain significance. Last evaluated: 2022-10-17. Review status: criteria provided, single submitter. Criteria: Invitae Variant Classification Sherloc (09022015). Collection method: clinical testing. Allele origin: germline.
Comment: In summary, the available evidence is currently insufficient to determine the role of this variant in disease. Therefore, it has been classified as a Variant of Uncertain Significance. Algorithms developed to predict the effect of missense changes on protein structure and function (SIFT, PolyPhen-2, Align-GVGD) all suggest that this variant is likely to be tolerated. This variant has not been reported in the literature in individuals affected with IL6ST-related conditions. This variant is not present in population databases (gnomAD no frequency). This sequence change replaces arginine, which is basic and polar, with glycine, which is neutral and non-polar, at codon 526 of the IL6ST protein (p.Arg526Gly).

NM_002184.4(IL6ST):c.1576C>G (p.Arg526Gly)

Gene: IL6ST (interleukin 6 cytokine family signal transducer; minus strand). Cytogenetic location: 5q11.2.
Variant type: single nucleotide variant.
Coding change: c.1576C>G on transcript NM_002184.4 (MANE Select); coding-DNA position 1576, C replaced by G.
Protein change: p.Arg526Gly; replaces arginine 526 with glycine.
Molecular consequence: missense variant. On other transcripts: 3 prime UTR variant (1), non-coding transcript variant (2).
Genome position (GRCh38, 1-based): chr5:55,952,052, G>C on the plus strand (C>G on the coding strand, the complement: IL6ST is on the minus strand). VCF-style: chr5-55952052-G-C. GRCh37 (hg19) VCF-style: chr5-55247880-G-C.
Other names: c.1393C>G, p.Arg465Gly (NM_001190981.2); c.1474C>G, p.Arg492Gly (NM_001364275.2); c.1366C>G, p.Arg456Gly (NM_001364276.2); c.709C>G, p.Arg237Gly (NM_001364277.2); c.673C>G, p.Arg225Gly (NM_001364278.2); c.580C>G, p.Arg194Gly (NM_001364279.2); c.*503C>G (NM_175767.3); short protein forms R237G, R456G, R194G, R225G, R492G, R465G, R526G.
Identifiers: ClinVar variation 1945751 (VCV001945751.5), dbSNP rs535616300, ClinGen allele CA359762328.